The following is an entry in ClinVar:

ClinVar aggregate classification (germline): Benign/Likely benign. Review status: criteria provided, multiple submitters, no conflicts (2 of 4 stars). 2 submissions from 2 submitters: Benign (1); Likely benign (1). Last evaluated 2025-03-04.

Submissions (2):

Center for Genomic Medicine, Rigshospitalet, Copenhagen University Hospital
Classification: Likely benign. Last evaluated: 2025-03-04. Review status: criteria provided, single submitter. Criteria: ACMG Guidelines, 2015. Collection method: clinical testing. Allele origin: germline.

Women's Health and Genetics/Laboratory Corporation of America, LabCorp
Classification: Benign. Last evaluated: 2019-12-12. Review status: criteria provided, single submitter. Criteria: LabCorp Variant Classification Summary - May 2015. Collection method: clinical testing. Allele origin: germline.
Comment: Variant summary: MSH6 c.3439-26_3439-25delAA is located at a position not widely known to affect splicing. 5/5 computational tools predict no significant impact on normal splicing. However, these predictions have yet to be confirmed by functional studies. The variant allele was found at a frequency of 9.1e-05 in 251388 control chromosomes, predominantly at a frequency of 0.00074 within the African or African-American subpopulation in the gnomAD database. The observed variant frequency within African or African-American control individuals in the gnomAD database is approximately 5.21 fold of the estimated maximal expected allele frequency for a pathogenic variant in MSH6 causing Hereditary Non-Polyposis Colon Cancer phenotype (0.00014), strongly suggesting that the variant is a benign polymorphism found primarily in populations of African or African-American origin. To our knowledge, no occurrence of c.3439-26_3439-25delAA in individuals affected with Hereditary Non-Polyposis Colon Cancer and no experimental evidence demonstrating its impact on protein function have been reported. No clinical diagnostic laboratories have submitted clinical-significance assessments for this variant to ClinVar after 2014. Based on the evidence outlined above, the variant was classified as benign.

NM_000179.3(MSH6):c.3439-26_3439-25del

Gene: MSH6 (mutS homolog 6; plus strand). Cytogenetic location: 2p16.3.
Variant type: Deletion.
Coding change: c.3439-26_3439-25del on transcript NM_000179.3 (MANE Select); 26 bases into the intron before coding-DNA position 3439 through 25 bases into the intron before coding-DNA position 3439, 2 bases deleted (AA; older notation c.3439-26_3439-25delAA).
Molecular consequence: intron variant.
Genome position (GRCh38, 1-based): chr2:47,804,884-47,804,885, AA deleted; deleting any 2 consecutive bases within chr2:47,804,882-47,804,885 gives the same sequence; the c. name uses the placement nearest the transcript's 3' end. VCF-style (leftmost placement, unchanged base first): chr2-47804881-TAA-T. GRCh37 (hg19) VCF-style: chr2-48032020-TAA-T.
Other names: c.2533-26_2533-25del (NM_001281493.2, NM_001281494.2); c.3049-26_3049-25del (NM_001281492.2); c.3439-26_3439-25delAA (NM_000179.3).
Identifiers: ClinVar variation 928514 (VCV000928514.7), dbSNP rs750310368, ClinGen allele CA070881.